The following is an entry in ClinVar:

NM_018448.5(CAND1):c.737G>A (p.Gly246Asp)

Gene: CAND1 (cullin associated and neddylation dissociated 1; plus strand). Cytogenetic location: 12q14.3.
Variant type: single nucleotide variant.
Coding change: c.737G>A on transcript NM_018448.5 (MANE Select); coding-DNA position 737, G replaced by A.
Protein change: p.Gly246Asp; replaces glycine 246 with aspartic acid.
Molecular consequence: missense variant.
Genome position (GRCh38, 1-based): chr12:67,297,652, G>A. VCF-style: chr12-67297652-G-A. GRCh37 (hg19) VCF-style: chr12-67691432-G-A.
Other names: c.665G>A, p.Gly222Asp (NM_001329674.2, NM_001329675.2); c.638G>A, p.Gly213Asp (NM_001329676.2); short protein forms G246D, G222D, G213D.
Identifiers: ClinVar variation 161718 (VCV000161718.2), dbSNP rs193921038, ClinGen allele CA174656.

ClinVar aggregate classification (germline): Uncertain significance (0 of 4 stars; one submission).

Conditions:
Prostate cancer. Also called: Malignant tumor of prostate. Identifiers: Orphanet 1331, MedGen C0376358, MONDO:0008315, HP:0012125.

Allele frequency attached by ClinVar (database versions not stated): TOPMed below 0.00001.

Submission:

Science for Life laboratory,  Karolinska Institutet
Classification: Uncertain significance for Malignant tumor of prostate. Review status: no assertion criteria provided. Collection method: not provided. Allele origin: somatic.
Comment: TumorID:SWE-8
ClinVar note: Converted during submission from Unknown to Uncertain significance.